The following is an entry in ClinVar:

ClinVar aggregate classification (germline): Uncertain significance (1 of 4 stars; one submission).

Submission:

Labcorp Genetics (formerly Invitae), Labcorp
Classification: Uncertain significance. Last evaluated: 2025-06-05. Review status: criteria provided, single submitter. Criteria: Invitae Variant Classification Sherloc (09022015). Collection method: clinical testing. Allele origin: germline.
Comment: This sequence change affects a donor splice site in intron 15 of the CFB gene. It is expected to disrupt RNA splicing. Variants that disrupt the donor or acceptor splice site typically lead to a loss of protein function (PMID: 16199547), however the current clinical and genetic evidence is not sufficient to establish whether loss-of-function variants in CFB cause disease. This variant is not present in population databases (gnomAD no frequency). This variant has not been reported in the literature in individuals affected with CFB-related conditions. Algorithms developed to predict the effect of sequence changes on RNA splicing suggest that this variant may disrupt the consensus splice site. In summary, the available evidence is currently insufficient to determine the role of this variant in disease. Therefore, it has been classified as a Variant of Uncertain Significance.

Literature cited by the submitters: PubMed 16199547.

NM_001710.6(CFB):c.1956+1G>T

Gene: CFB (complement factor B; plus strand). Cytogenetic location: 6p21.33.
Variant type: single nucleotide variant.
Coding change: c.1956+1G>T on transcript NM_001710.6 (MANE Select); the canonical splice donor site of the intron after coding-DNA position 1956, G replaced by T.
Molecular consequence: splice donor variant.
Genome position (GRCh38, 1-based): chr6:31,951,245, G>T. VCF-style: chr6-31951245-G-T. GRCh37 (hg19) VCF-style: chr6-31919022-G-T.
Identifiers: ClinVar variation 4720835 (VCV004720835.1).
Genomic context (GRCh38, chr6:31,951,245, plus strand): 5'-GTGTCTGAGGAGGAGAAAAAGCTGACTCGGAAGGAGGTCTACATCAAGAATGGGGATAAG[G>T]TGAGAAACGGGCATCCTAAGGAGGCACTCTAGGCCCCAATCCTTCCTAAGCCACTTCTGT-3'